The following is an entry in ClinVar:

ClinVar aggregate classification (germline): Uncertain significance (1 of 4 stars; one submission).

Submission:

Women's Health and Genetics/Laboratory Corporation of America, LabCorp
Classification: Uncertain significance. Last evaluated: 2023-11-22. Review status: criteria provided, single submitter. Criteria: LabCorp Variant Classification Summary - May 2015. Collection method: clinical testing. Allele origin: germline.
Comment: Variant summary: The variant involves the deletion of exons 1-3 in the C19orf12 gene. A presumed nomenclature of c.(?_-165)_(*3676_?)del has been designated for the purposes of this classification. This deletion includes the entire coding sequence of the gene. As the exact proximal and distal breakpoints are unknown, it may extend beyond the annotated region of the gene to include other flanking genes. A large deletion (~1.1 Mbp) which encompasses the C19orf12 together with several other genes has been reported in 1 / 464297 alleles in the gnomAD database, CNVs 4.0 dataset. To our knowledge, no occurrence of c.(?_-165)_(*3676_?)del in individuals affected with Neurodegeneration With Brain Iron Accumulation and no experimental evidence demonstrating its impact on protein function have been reported. Although multiple studies reported patients with mono- or biallelic variants in the C19orf12 gene, currently it is unclear whether a loss-of-function variant (null allele) would cause similar disease phenotype (see e.g. PMIDs: 31087512, 36863113). One submitter has cited clinical-significance assessments for this variant to ClinVar after 2014 and has classified the variant as uncertain significance. Based on the evidence outlined above, the variant was classified as VUS-possibly pathogenic.

NC_000019.9:g.(?_30189943)_(30205968_?)del

Gene: C19orf12 (chromosome 19 open reading frame 12; minus strand). Cytogenetic location: 19q12.
Variant type: Deletion.
Identifiers: ClinVar variation 2682244 (VCV002682244.1).